The following is an entry in ClinVar:

NM_001142864.4(PIEZO1):c.7524C>T (p.Arg2508=)

Gene: PIEZO1 (piezo type mechanosensitive ion channel component 1 (Er blood group); minus strand). Cytogenetic location: 16q24.3.
Variant type: single nucleotide variant.
Coding change: c.7524C>T on transcript NM_001142864.4 (MANE Select); coding-DNA position 7524, C replaced by T.
Protein change: p.Arg2508=; no amino-acid change (arginine 2508 retained).
Molecular consequence: synonymous variant.
Genome position (GRCh38, 1-based): chr16:88,715,647, G>A on the plus strand (C>T on the coding strand, the complement: PIEZO1 is on the minus strand). VCF-style: chr16-88715647-G-A. GRCh37 (hg19) VCF-style: chr16-88782055-G-A.
Other names: p.Arg2508=.
Identifiers: ClinVar variation 754467 (VCV000754467.8), dbSNP rs530762101, ClinGen allele CA8231301.
Genomic context (GRCh38, chr16:88,715,647, plus strand): 5'-GGGCGCCAGCAGCAGCTCCTACTCCTTCTCACGAGTCCACTTGATCATGGTCTCCGGTGA[G>A]CGGTAGAGGAAGATGAGCTTGGCGTACAACTCCTCCTCCAGCTCCAGCTCCCGAGTCTCC-3'
Protein context (NP_001136336.2, residues 2498-2518): ELYAKLIFLY[Arg2508=]SPETMIKWTR

ClinVar aggregate classification (germline): Likely benign. Review status: criteria provided, multiple submitters, no conflicts (2 of 4 stars). 2 submissions from 2 submitters: Likely benign (2). Last evaluated 2025-06-12.

Allele frequency attached by ClinVar (database versions not stated): ExAC below 0.00001; gnomAD exomes 0.00003 and 0.00005; gnomAD 0.00014 and 0.00015; 1000 Genomes Project 30x 0.00016; TOPMed 0.00017; 1000 Genomes Project 0.00020.

Submissions (2):

Labcorp Genetics (formerly Invitae), Labcorp
Classification: Likely benign. Last evaluated: 2025-06-12. Review status: criteria provided, single submitter. Criteria: Invitae Variant Classification Sherloc (09022015). Collection method: clinical testing. Allele origin: germline.

Mayo Clinic Laboratories, Mayo Clinic
Classification: Likely benign. Last evaluated: 2025-05-06. Review status: criteria provided, single submitter. Criteria: ACMG Guidelines, 2015. Collection method: clinical testing. Allele origin: germline. Observed: 2 variant alleles.
Comment: BP4, BP7, PM2_moderate